The following is an entry in ClinVar:

ClinVar aggregate classification (germline): Uncertain significance (1 of 4 stars; one submission).

Submission:

GeneDx
Classification: Uncertain significance. Last evaluated: 2024-02-09. Review status: criteria provided, single submitter. Criteria: GeneDx Variant Classification Process June 2021. Collection method: clinical testing. Allele origin: germline. Affected: yes.
Comment: Not observed at significant frequency in large population cohorts (gnomAD); In silico analysis supports that this missense variant does not alter protein structure/function; Has not been previously published as pathogenic or benign to our knowledge

NM_001303052.2(MYT1L):c.805G>A (p.Ala269Thr)

Gene: MYT1L (myelin transcription factor 1 like; minus strand). Cytogenetic location: 2p25.3.
Variant type: single nucleotide variant.
Coding change: c.805G>A on transcript NM_001303052.2 (MANE Select); coding-DNA position 805, G replaced by A.
Protein change: p.Ala269Thr; replaces alanine 269 with threonine.
Molecular consequence: missense variant.
Genome position (GRCh38, 1-based): chr2:1,922,964, C>T on the plus strand (G>A on the coding strand, the complement: MYT1L is on the minus strand). VCF-style: chr2-1922964-C-T. GRCh37 (hg19) VCF-style: chr2-1926736-C-T.
Other names: c.805G>A, p.Ala269Thr (NM_001329844.2, NM_001329845.1, NM_001329846.3 and 6 more transcripts); short protein forms A269T.
Identifiers: ClinVar variation 3368998 (VCV003368998.1).
Genomic context (GRCh38, chr2:1,922,964, plus strand): 5'-TGCTGTCTGCATAATTTCTGTCATTCATGTTTTCTGAGAGCACAACACCGTGTCCTTGGG[C>T]TAATAGTTTAAGGGAGTCCACTGTTTCTCTAACAACATCACTGTCTAAGTCTAAACTCAA-3'
Protein context (NP_001289981.1, residues 259-279): RETVDSLKLL[Ala269Thr]QGHGVVLSEN